The following is an entry in ClinVar:

ClinVar aggregate classification (germline): Conflicting classifications of pathogenicity. Review status: criteria provided, conflicting classifications (1 of 4 stars). 5 submissions from 5 submitters: Uncertain significance (1); Benign (1); Likely benign (3). Last evaluated 2026-01-21.

Conditions:
Inborn genetic diseases. Identifiers: MedGen C0950123, MeSH D030342.
SAMD9L-related disorder. Also called: SAMD9L-related disorders; SAMD9L-related condition.

Allele frequency attached by ClinVar (database versions not stated): gnomAD 0.00006; TOPMed 0.00010; gnomAD exomes 0.00012 and 0.00019; ExAC 0.00020.
gnomAD v4.1: 207 of 1,613,698 alleles (0.013%); highest among the groups gnomAD compares: Non-Finnish European, 0.0042%; 1 homozygote.

Submissions (5):

Labcorp Genetics (formerly Invitae), Labcorp
Classification: Benign. Last evaluated: 2026-01-21. Review status: criteria provided, single submitter. Criteria: Invitae Variant Classification Sherloc (09022015). Collection method: clinical testing. Allele origin: germline.

Ambry Genetics
Classification: Likely benign for Inborn genetic diseases. Last evaluated: 2025-06-11. Review status: criteria provided, single submitter. Criteria: Ambry Variant Classification Scheme 2023. Collection method: clinical testing. Allele origin: germline.

PreventionGenetics, part of Exact Sciences
Classification: Likely benign for SAMD9L-related condition. Last evaluated: 2025-02-17. Review status: criteria provided, single submitter. Criteria: ACMG Guidelines, 2015. Collection method: clinical testing. Allele origin: germline.
Comment: This variant is classified as likely benign based on ACMG/AMP sequence variant interpretation guidelines (Richards et al. 2015 PMID: 25741868, with internal and published modifications).

Blueprint Genetics
Classification: Likely benign. Last evaluated: 2024-08-30. Review status: criteria provided, single submitter. Criteria: ACMG Guidelines, 2015. Collection method: clinical testing. Allele origin: germline.

Genetic Services Laboratory, University of Chicago
Classification: Uncertain significance. Last evaluated: 2021-04-07. Review status: criteria provided, single submitter. Criteria: ACMG Guidelines, 2015. Collection method: clinical testing. Allele origin: germline. Affected: no.
Comment: The sequence change, c.4512T>G, results in an amino acid change, p.Asn1504Lys. This sequence change does not appear to have been previously described in individuals with SAMD9L-related disorders. This sequence change has been described in the gnomAD database with a low frequency of 0.33% in Ashkenazi Jewish subpopulation (dbSNP rs200615225). The p.Asn1504Lys change affects a moderately conserved amino acid residue of the SAMD9L protein. n-silico pathogenicity prediction tools (SIFT, PolyPhen2, Align GVGD, REVEL) provide contradictory results for the p.Asn1504Lys substitution. Due to the lack of functional studies, the clinical significance of the p.Asn1504Lys change remains unknown at this time.

NM_152703.5(SAMD9L):c.4512T>G (p.Asn1504Lys)

Gene: SAMD9L (sterile alpha motif domain containing 9 like; minus strand). Cytogenetic location: 7q21.2.
Variant type: single nucleotide variant.
Coding change: c.4512T>G on transcript NM_152703.5 (MANE Select); coding-DNA position 4512, T replaced by G.
Protein change: p.Asn1504Lys; replaces asparagine 1504 with lysine.
Molecular consequence: missense variant.
Genome position (GRCh38, 1-based): chr7:93,131,460, A>C on the plus strand (T>G on the coding strand, the complement: SAMD9L is on the minus strand). VCF-style: chr7-93131460-A-C. GRCh37 (hg19) VCF-style: chr7-92760773-A-C.
Other names: c.4512T>G (NM_152703.3, NM_152703.2); c.4512T>G, p.Asn1504Lys (NM_001303496.3, NM_001303497.3, NM_001303498.3 and 5 more transcripts); short protein forms N1504K.
Identifiers: ClinVar variation 1337093 (VCV001337093.15), dbSNP rs200615225, ClinGen allele CA4343289.